The following is an entry in ClinVar:

ClinVar aggregate classification (germline): Uncertain significance (1 of 4 stars; one submission).

Conditions:
Chudley-McCullough syndrome (CMCS). Also called: DEAFNESS, SENSORINEURAL, WITH PARTIAL AGENESIS OF THE CORPUS CALLOSUM AND ARACHNOID CYSTS; Deafness, autosomal recessive 82. Identifiers: Orphanet 314597, MedGen C1858695, MONDO:0011411, OMIM 604213.

gnomAD v4.1: 1 of 1,612,600 alleles (0.000062%); highest among the groups gnomAD compares: East Asian, 0.0022%; no homozygotes.

Submission:

Juno Genomics, Hangzhou Juno Genomics, Inc
Classification: Uncertain significance for Chudley-McCullough syndrome. Review status: criteria provided, single submitter. Criteria: ACMG Guidelines, 2015. Collection method: clinical testing. Allele origin: germline.
Comment: Absent from controls (or at extremely low frequency if recessive) in Genome Aggregation Database.;Multiple lines of computational evidence support a deleterious effect on the gene or gene product.

NM_013296.5(GPSM2):c.704T>C (p.Phe235Ser)

Gene: GPSM2 (G protein signaling modulator 2; plus strand). Cytogenetic location: 1p13.3.
Variant type: single nucleotide variant.
Coding change: c.704T>C on transcript NM_013296.5 (MANE Select); coding-DNA position 704, T replaced by C.
Protein change: p.Phe235Ser; replaces phenylalanine 235 with serine.
Molecular consequence: missense variant.
Genome position (GRCh38, 1-based): chr1:108,898,901, T>C. VCF-style: chr1-108898901-T-C. GRCh37 (hg19) VCF-style: chr1-109441523-T-C.
Other names: c.704T>C, p.Phe235Ser (NM_001321038.2, NM_001321039.3); short protein forms F235S.
Identifiers: ClinVar variation 5005642 (VCV005005642.2).